The following is an entry in ClinVar:

ClinVar aggregate classification (germline): Uncertain significance. Review status: criteria provided, multiple submitters, no conflicts (2 of 4 stars). 5 submissions from 5 submitters: Uncertain significance (4). 1 of the submissions does not count toward it. Last evaluated 2026-04-07.

Conditions:
ELP1-related disorder. Also called: ELP1-related condition.
Familial dysautonomia. Also called: HSAN III; FD. Identifiers: Orphanet 1764, MedGen C0013364, MONDO:0009131, OMIM 223900. Disease mechanism: loss of function.

Allele frequency attached by ClinVar (database versions not stated): ExAC 0.00001; gnomAD 0.00001; gnomAD exomes 0.00001; TOPMed 0.00001.
gnomAD v4.1: 14 of 1,614,108 alleles (0.00087%); highest among the groups gnomAD compares: Admixed American, 0.0033%; no homozygotes.

Submissions (5):

PreventionGenetics, part of Exact Sciences
Classification: Uncertain significance for ELP1-related condition. Last evaluated: 2026-04-07. Review status: criteria provided, single submitter. Criteria: ACMG Guidelines, 2015. Collection method: clinical testing. Allele origin: germline.
Comment: The ELP1 c.3688G>C variant is predicted to result in the amino acid substitution p.Glu1230Gln. To our knowledge, this variant has not been reported in the literature. This variant is reported in 0.0029% of alleles in individuals of Latino descent in gnomAD. At this time, the clinical significance of this variant is uncertain due to the absence of conclusive functional and genetic evidence.

GeneDx
Classification: Uncertain significance. Last evaluated: 2025-04-14. Review status: criteria provided, single submitter. Criteria: GeneDx Variant Classification Process June 2021. Collection method: clinical testing. Allele origin: germline. Affected: yes.
Comment: Not observed at significant frequency in large population cohorts (gnomAD); In silico analysis indicates that this missense variant does not alter protein structure/function; Has not been previously published as pathogenic or benign to our knowledge

Labcorp Genetics (formerly Invitae), Labcorp
Classification: Uncertain significance. Last evaluated: 2022-04-08. Review status: criteria provided, single submitter. Criteria: Invitae Variant Classification Sherloc (09022015). Collection method: clinical testing. Allele origin: germline.
Comment: This sequence change replaces glutamic acid, which is acidic and polar, with glutamine, which is neutral and polar, at codon 1230 of the ELP1 protein (p.Glu1230Gln). This variant is present in population databases (rs764936574, gnomAD 0.003%). This variant has not been reported in the literature in individuals affected with ELP1-related conditions. ClinVar contains an entry for this variant (Variation ID: 455966). Algorithms developed to predict the effect of missense changes on protein structure and function are either unavailable or do not agree on the potential impact of this missense change (SIFT: "Tolerated"; PolyPhen-2: "Possibly Damaging"; Align-GVGD: "Class C0"). In summary, the available evidence is currently insufficient to determine the role of this variant in disease. Therefore, it has been classified as a Variant of Uncertain Significance.

Illumina Laboratory Services, Illumina
Classification: Uncertain significance for Familial dysautonomia. Last evaluated: 2018-01-13. Review status: criteria provided, single submitter. Criteria: ICSL Variant Classification Criteria 13 December 2019. Collection method: clinical testing. Allele origin: germline.

Natera, Inc.
Classification: Uncertain significance for Familial dysautonomia. Last evaluated: 2020-09-16. Review status: no assertion criteria provided. Collection method: clinical testing. Allele origin: germline. Not counted in ClinVar's aggregate classification.

NM_003640.5(ELP1):c.3688G>C (p.Glu1230Gln)

Gene: ELP1 (elongator acetyltransferase complex subunit 1; minus strand). Cytogenetic location: 9q31.3.
Variant type: single nucleotide variant.
Coding change: c.3688G>C on transcript NM_003640.5 (MANE Select); coding-DNA position 3688, G replaced by C.
Protein change: p.Glu1230Gln; replaces glutamic acid 1230 with glutamine.
Molecular consequence: missense variant.
Genome position (GRCh38, 1-based): chr9:108,878,635, C>G on the plus strand (G>C on the coding strand, the complement: ELP1 is on the minus strand). VCF-style: chr9-108878635-C-G. GRCh37 (hg19) VCF-style: chr9-111640915-C-G.
Other names: c.3688G>C (LRG_251t1, NM_003640.4); c.3346G>C, p.Glu1116Gln (NM_001318360.2); c.2641G>C, p.Glu881Gln (NM_001330749.2); short protein forms E1230Q, E1116Q, E881Q.
Identifiers: ClinVar variation 455966 (VCV000455966.10), dbSNP rs764936574, ClinGen allele CA5174217.
Genomic context (GRCh38, chr9:108,878,635, plus strand): 5'-TTCACTATTGTTTGTGGTCAGGAATCATCATCAGGACTGAGAATATACCTTTCAGGTTTT[C>G]AGTGTTCTGCACCACTTCACTCAGTGCCTCCAGGAGGGCCAGGTCCTCCAGCGGACTGCC-3'
Protein context (NP_003631.2, residues 1220-1240): EALSEVVQNT[Glu1230Gln]NLKDEVYHIL